The following is an entry in ClinVar:

NM_014956.5(CEP164):c.2746C>T (p.Arg916Trp)

Gene: CEP164 (centrosomal protein 164; plus strand). Cytogenetic location: 11q23.3.
Variant type: single nucleotide variant.
Coding change: c.2746C>T on transcript NM_014956.5 (MANE Select); coding-DNA position 2746, C replaced by T.
Protein change: p.Arg916Trp; replaces arginine 916 with tryptophan.
Molecular consequence: missense variant.
Genome position (GRCh38, 1-based): chr11:117,394,479, C>T. VCF-style: chr11-117394479-C-T. GRCh37 (hg19) VCF-style: chr11-117265195-C-T.
Other names: c.2755C>T, p.Arg919Trp (NM_001271933.2); c.2746C>T (NM_014956.4); short protein forms R916W, R919W.
Identifiers: ClinVar variation 1042420 (VCV001042420.11), dbSNP rs1055666351, ClinGen allele CA229360059.

ClinVar aggregate classification (germline): Uncertain significance. Review status: criteria provided, multiple submitters, no conflicts (2 of 4 stars). 4 submissions from 4 submitters: Uncertain significance (4). Last evaluated 2025-06-23.

Conditions:
CEP164-related disorder. Also called: CEP164-related condition.
Nephronophthisis 15 (NPHP15). Identifiers: Orphanet 3156, MedGen C3541853, MONDO:0013917, OMIM 614845.

Allele frequency attached by ClinVar (database versions not stated): gnomAD 0.00002 and 0.00003.
gnomAD v4.1: 29 of 1,613,766 alleles (0.0018%); highest among the groups gnomAD compares: South Asian, 0.0022%; no homozygotes.

Submissions (4):

PreventionGenetics, part of Exact Sciences
Classification: Uncertain significance for CEP164-related condition. Last evaluated: 2025-06-23. Review status: criteria provided, single submitter. Criteria: ACMG Guidelines, 2015. Collection method: clinical testing. Allele origin: germline.
Comment: The CEP164 c.2746C>T variant is predicted to result in the amino acid substitution p.Arg916Trp. To our knowledge, this variant has not been reported in the literature. This variant is reported in 0.0023% of alleles in individuals of European (Non-Finnish) descent in gnomAD. At this time, the clinical significance of this variant is uncertain due to the absence of conclusive functional and genetic evidence.

Labcorp Genetics (formerly Invitae), Labcorp
Classification: Uncertain significance for Nephronophthisis 15. Last evaluated: 2024-11-11. Review status: criteria provided, single submitter. Criteria: Invitae Variant Classification Sherloc (09022015). Collection method: clinical testing. Allele origin: germline.
Comment: This sequence change replaces arginine, which is basic and polar, with tryptophan, which is neutral and slightly polar, at codon 916 of the CEP164 protein (p.Arg916Trp). This variant is present in population databases (no rsID available, gnomAD 0.002%). This variant has not been reported in the literature in individuals affected with CEP164-related conditions. ClinVar contains an entry for this variant (Variation ID: 1042420). Invitae Evidence Modeling of protein sequence and biophysical properties (such as structural, functional, and spatial information, amino acid conservation, physicochemical variation, residue mobility, and thermodynamic stability) has been performed for this missense variant. However, the output from this modeling did not meet the statistical confidence thresholds required to predict the impact of this variant on CEP164 protein function. In summary, the available evidence is currently insufficient to determine the role of this variant in disease. Therefore, it has been classified as a Variant of Uncertain Significance.

Fulgent Genetics
Classification: Uncertain significance for Nephronophthisis 15. Last evaluated: 2024-05-28. Review status: criteria provided, single submitter. Criteria: ACMG Guidelines, 2015. Collection method: clinical testing. Allele origin: germline.

Blueprint Genetics
Classification: Uncertain significance. Last evaluated: 2021-10-19. Review status: criteria provided, single submitter. Criteria: ACMG Guidelines, 2015. Collection method: clinical testing. Allele origin: germline.